The following is an entry in ClinVar:

ClinVar aggregate classification (germline): Uncertain significance (1 of 4 stars; one submission).

Conditions:
Agammaglobulinemia 3, autosomal recessive (AGM3). Also called: AGAMMAGLOBULINEMIA 3; AGAMMAGLOBULINEMIA, AUTOSOMAL RECESSIVE, DUE TO CD79A DEFECT. Identifiers: MedGen C3150751, MONDO:0013288, OMIM 613501.

Allele frequency attached by ClinVar (database versions not stated): gnomAD exomes below 0.00001.

Submission:

Labcorp Genetics (formerly Invitae), Labcorp
Classification: Uncertain significance for Agammaglobulinemia 3, autosomal recessive. Last evaluated: 2022-03-04. Review status: criteria provided, single submitter. Criteria: Invitae Variant Classification Sherloc (09022015). Collection method: clinical testing. Allele origin: germline.
Comment: This sequence change replaces leucine, which is neutral and non-polar, with serine, which is neutral and polar, at codon 81 of the CD79A protein (p.Leu81Ser). This variant is not present in population databases (gnomAD no frequency). This variant has not been reported in the literature in individuals affected with CD79A-related conditions. Algorithms developed to predict the effect of missense changes on protein structure and function (SIFT, PolyPhen-2, Align-GVGD) all suggest that this variant is likely to be tolerated. In summary, the available evidence is currently insufficient to determine the role of this variant in disease. Therefore, it has been classified as a Variant of Uncertain Significance.

NM_001783.4(CD79A):c.242T>C (p.Leu81Ser)

Genes: CD79A (CD79a molecule; plus strand), RPS19-CD79A (RPS19-CD79A readthrough; plus strand). Cytogenetic location: 19q13.2.
Variant type: single nucleotide variant.
Coding change: c.242T>C on transcript NM_001783.4 (MANE Select); coding-DNA position 242, T replaced by C.
Protein change: p.Leu81Ser; replaces leucine 81 with serine.
Molecular consequence: missense variant.
Genome position (GRCh38, 1-based): chr19:41,879,152, T>C. VCF-style: chr19-41879152-T-C. GRCh37 (hg19) VCF-style: chr19-42383222-T-C.
Other names: c.242T>C, p.Leu81Ser (NM_021601.4); short protein forms L81S.
Identifiers: ClinVar variation 2106718 (VCV002106718.3), dbSNP rs2074205887, ClinGen allele CA406034424.